The following is an entry in ClinVar:

NM_005359.6(SMAD4):c.1113C>T (p.His371=)

Gene: SMAD4 (SMAD family member 4; plus strand). Cytogenetic location: 18q21.2.
Variant type: single nucleotide variant.
Coding change: c.1113C>T on transcript NM_005359.6 (MANE Select); coding-DNA position 1113, C replaced by T.
Protein change: p.His371=; no amino-acid change (histidine 371 retained).
Molecular consequence: synonymous variant.
Genome position (GRCh38, 1-based): chr18:51,065,580, C>T. VCF-style: chr18-51065580-C-T. GRCh37 (hg19) VCF-style: chr18-48591950-C-T.
Other names: c.1113C>T (NM_005359.5).
Identifiers: ClinVar variation 1560696 (VCV001560696.10), dbSNP rs751470394, ClinGen allele CA8965982.

ClinVar aggregate classification (germline): Benign/Likely benign. Review status: criteria provided, multiple submitters, no conflicts (2 of 4 stars). 3 submissions from 3 submitters: Benign (1); Likely benign (2). Last evaluated 2026-09-07.

Conditions:
Juvenile polyposis syndrome (JPS). Identifiers: Orphanet 2929, MedGen C0345893, MONDO:0017380, OMIM 174900.
Juvenile polyposis/hereditary hemorrhagic telangiectasia syndrome (JPHT). Also called: Juvenile Polyposis Syndrome / Hereditary Hemorrhagic Telangiectasia (JPS/HHT); JP/HHT SYNDROME; JUVENILE POLYPOSIS WITH HEREDITARY HEMORRHAGIC TELANGIECTASIA; POLYPOSIS, GENERALIZED JUVENILE, WITH PULMONARY ARTERIOVENOUS MALFORMATION; TELANGIECTASIA, HEREDITARY HEMORRHAGIC, WITH JUVENILE POLYPOSIS COLI. Identifiers: Orphanet 2929, MedGen C1832942, MONDO:0008278, OMIM 175050.
Familial thoracic aortic aneurysm and aortic dissection (TAAD). Also called: Thoracic aortic aneurysms and dissections. Identifiers: Orphanet 91387, MedGen C4707243, MONDO:0019625.
Hereditary cancer-predisposing syndrome. Also called: Hereditary Cancer Syndrome; Tumor predisposition; Neoplastic Syndromes, Hereditary; Hereditary neoplastic syndrome. Identifiers: Orphanet 140162, MedGen C0027672, MeSH D009386, MONDO:0015356.

Allele frequency attached by ClinVar (database versions not stated): gnomAD exomes below 0.00001; ExAC 0.00001.
gnomAD v4.1: 1 of 1,614,132 alleles (0.000062%); highest among the groups gnomAD compares: East Asian, 0.0022%; no homozygotes.

Submissions (3):

Ambry Genetics
Classification: Likely benign for Hereditary cancer-predisposing syndrome; Familial thoracic aortic aneurysm and aortic dissection. Last evaluated: 2026-09-07. Review status: criteria provided, single submitter. Criteria: Ambry Variant Classification Scheme 2023. Collection method: clinical testing. Allele origin: germline.

Myriad Genetics, Inc.
Classification: Benign for Juvenile polyposis/hereditary hemorrhagic telangiectasia syndrome. Last evaluated: 2025-03-21. Review status: criteria provided, single submitter. Criteria: Myriad Autosomal Dominant, Autosomal Recessive and X-Linked Classification Criteria (2023). Collection method: clinical testing. Allele origin: unknown.
Comment: This variant is considered benign. This variant is a silent/synonymous amino acid change and it is not expected to impact splicing.

Labcorp Genetics (formerly Invitae), Labcorp
Classification: Likely benign for Juvenile polyposis syndrome. Last evaluated: 2024-07-01. Review status: criteria provided, single submitter. Criteria: Invitae Variant Classification Sherloc (09022015). Collection method: clinical testing. Allele origin: germline.